The following is an entry in ClinVar:

ClinVar aggregate classification (germline): Uncertain significance (1 of 4 stars; one submission).

Submission:

CeGaT Center for Human Genetics Tuebingen
Classification: Uncertain significance. Last evaluated: 2025-04-01. Review status: criteria provided, single submitter. Criteria: CeGaT Center For Human Genetics Tuebingen Variant Classification Criteria Version 2. Collection method: clinical testing. Allele origin: germline. Affected: yes. Observed: 1 variant allele.
Comment: GRIN1: PM2

NM_007327.4(GRIN1):c.*301A>G

Gene: GRIN1 (glutamate ionotropic receptor NMDA type subunit 1; plus strand). Cytogenetic location: 9q34.3.
Variant type: single nucleotide variant.
Coding change: c.*301A>G on transcript NM_007327.4 (MANE Select); 301 bases downstream of the stop codon, A replaced by G.
Molecular consequence: 3 prime UTR variant. On other transcripts: missense variant (3).
Genome position (GRCh38, 1-based): chr9:137,167,828, A>G. VCF-style: chr9-137167828-A-G. GRCh37 (hg19) VCF-style: chr9-140062280-A-G.
Other names: c.2644A>G, p.Ser882Gly (NM_000832.7); c.2818A>G, p.Ser940Gly (NM_001185090.2); c.2707A>G, p.Ser903Gly (NM_001185091.2); c.*301A>G (NM_021569.4); short protein forms S882G, S903G, S940G.
Identifiers: ClinVar variation 3898290 (VCV003898290.7).